The following is an entry in ClinVar:

NM_007055.4(POLR3A):c.1771-5C>G

Gene: POLR3A (RNA polymerase III subunit A; minus strand). Cytogenetic location: 10q22.3.
Variant type: single nucleotide variant.
Coding change: c.1771-5C>G on transcript NM_007055.4 (MANE Select); 5 bases into the intron before coding-DNA position 1771, C replaced by G.
Molecular consequence: intron variant.
Genome position (GRCh38, 1-based): chr10:78,009,680, G>C on the plus strand (C>G on the coding strand, the complement: POLR3A is on the minus strand). VCF-style: chr10-78009680-G-C. GRCh37 (hg19) VCF-style: chr10-79769438-G-C.
Identifiers: ClinVar variation 878954 (VCV000878954.15), dbSNP rs199733994, ClinGen allele CA5571318.
Genomic context (GRCh38, chr10:78,009,680, plus strand): 5'-TCGCTAGGCCTGAGGATGACACTGAAGATCTGCTTTCCCGTCCACAGGGTGACAGGCTGA[G>C]GGGGGGAGGAAGCCTGAGAGTCAGTGGGCTGAGCCTGGTCTCAATCCCCCTTCAGTAGAC-3'

ClinVar aggregate classification (germline): Conflicting classifications of pathogenicity. Review status: criteria provided, conflicting classifications (1 of 4 stars). 4 submissions from 4 submitters: Uncertain significance (3); Likely benign (1). Last evaluated 2024-10-18.

Conditions:
Leukodystrophy, hypomyelinating, 7, with or without oligodontia and/or hypogonadotropic hypogonadism (HLD7). Also called: Ataxia, Delayed Dentition and Hypomyelination (ADDH); LEUKODYSTROPHY, HYPOMYELINATING, 7, WITH OLIGODONTIA; LEUKODYSTROPHY, HYPOMYELINATING, 7, WITH OLIGODONTIA AND HYPOGONADOTROPIC HYPOGONADISM; LEUKODYSTROPHY, HYPOMYELINATING, 7, WITHOUT OLIGODONTIA OR HYPOGONADOTROPIC HYPOGONADISM; LEUKOENCEPHALOPATHY, HYPOMYELINATING, WITH ATAXIA AND DELAYED DENTITION; ATAXIA, DELAYED DENTITION, AND HYPOMYELINATION. Identifiers: Orphanet 137639, Orphanet 447893, Orphanet 447896, Orphanet 77295, Orphanet 88637, MedGen CN034185, MONDO:0011897, OMIM 607694.

Allele frequency attached by ClinVar (database versions not stated): ESP Exome Variant Server 0.00008; TOPMed 0.00004.
gnomAD v4.1: 45 of 1,610,466 alleles (0.0028%); highest among the groups gnomAD compares: Non-Finnish European, 0.0036%; no homozygotes.

Submissions (4):

Labcorp Genetics (formerly Invitae), Labcorp
Classification: Likely benign. Last evaluated: 2024-10-18. Review status: criteria provided, single submitter. Criteria: Invitae Variant Classification Sherloc (09022015). Collection method: clinical testing. Allele origin: germline.

Blueprint Genetics
Classification: Uncertain significance. Last evaluated: 2023-08-08. Review status: criteria provided, single submitter. Criteria: ACMG Guidelines, 2015. Collection method: clinical testing. Allele origin: germline.

GeneDx
Classification: Uncertain significance. Last evaluated: 2022-05-18. Review status: criteria provided, single submitter. Criteria: GeneDx Variant Classification Process June 2021. Collection method: clinical testing. Allele origin: germline. Affected: yes.
Comment: Not observed in large population cohorts (gnomAD); Nucleotide substitution has no predicted effect on splicing and is not conserved across species; Although in silico analysis supports that this variant does not alter splicing, nearby variants c.1771-6C>G and c.1771-7C>G have been demonstrated to result in leaky splicing despite similar in silico results and have been reported as pathogenic at GeneDx; Has not been previously published as pathogenic or benign to our knowledge; Targeted RNA studies in blood from this patient are inconclusive. No significant aberrant splice product was detected in the proband. However, this result could also be seen if the variant allele was refractory to amplification. Given this result, we cannot confirm or rule out an aberrant splice product resulting from this variant.

Illumina Laboratory Services, Illumina
Classification: Uncertain significance for Leukodystrophy, hypomyelinating, 7, with or without oligodontia and/or hypogonadotropic hypogonadism. Last evaluated: 2018-01-13. Review status: criteria provided, single submitter. Criteria: ICSL Variant Classification Criteria 13 December 2019. Collection method: clinical testing. Allele origin: germline.